The following is an entry in ClinVar:

ClinVar aggregate classification (germline): Likely benign. Review status: criteria provided, multiple submitters, no conflicts (2 of 4 stars). 2 submissions from 2 submitters: Likely benign (2). Last evaluated 2018-01-12.

Conditions:
Glycogen storage disease IXb (GSD9B). Also called: GLYCOGENOSIS OF LIVER AND MUSCLE, AUTOSOMAL RECESSIVE; GSD IXb; PHOSPHORYLASE KINASE DEFICIENCY OF LIVER AND MUSCLE, AUTOSOMAL RECESSIVE. Identifiers: Orphanet 79240, MedGen C0543514, MONDO:0009868, OMIM 261750.

Allele frequency attached by ClinVar (database versions not stated): 1000 Genomes Project 30x 0.00578; 1000 Genomes Project 0.00599; gnomAD exomes 0.00925; gnomAD 0.00942 and 0.00962; TOPMed 0.00979.
gnomAD v4.1: 1,455 of 154,994 alleles (0.94%); highest among the groups gnomAD compares: Non-Finnish European, 1.6%; 8 homozygotes.

Submissions (2):

Illumina Laboratory Services, Illumina
Classification: Likely benign for Glycogen storage disease IXb. Last evaluated: 2018-01-12. Review status: criteria provided, single submitter. Criteria: ICSL Variant Classification Criteria 13 December 2019. Collection method: clinical testing. Allele origin: germline.
Comment: This variant was observed in the ICSL laboratory as part of a predisposition screen in an ostensibly healthy population. It had not been previously curated by ICSL or reported in the Human Gene Mutation Database (HGMD: prior to June 1st, 2018), and was therefore a candidate for classification through an automated scoring system. Utilizing variant allele frequency, disease prevalence and penetrance estimates, and inheritance mode, an automated score was calculated to assess if this variant is too frequent to cause the disease. Based on the score and internal cut-off values, a variant classified as likely benign is not then subjected to further curation. The score for this variant resulted in a classification of likely benign for this disease.

Breakthrough Genomics
Classification: Likely benign. Review status: criteria provided, single submitter. Criteria: ACMG Guidelines, 2015. Collection method: not provided. Allele origin: germline. Inheritance: Autosomal recessive inheritance. Affected: yes.

NM_000293.3(PHKB):c.*641C>A

Gene: PHKB (phosphorylase kinase regulatory subunit beta; plus strand). Cytogenetic location: 16q12.1.
Variant type: single nucleotide variant.
Coding change: c.*641C>A on transcript NM_000293.3 (MANE Select); 641 bases downstream of the stop codon, C replaced by A.
Molecular consequence: 3 prime UTR variant.
Genome position (GRCh38, 1-based): chr16:47,700,007, C>A. VCF-style: chr16-47700007-C-A. GRCh37 (hg19) VCF-style: chr16-47733918-C-A.
Other names: c.*641C>A (NM_001031835.3, NM_001363837.1).
Identifiers: ClinVar variation 319376 (VCV000319376.6), dbSNP rs117861728, ClinGen allele CA10643687.